The following is an entry in ClinVar:

ClinVar aggregate classification (germline): Uncertain significance. Review status: criteria provided, multiple submitters, no conflicts (2 of 4 stars). 2 submissions from 2 submitters: Uncertain significance (2). Last evaluated 2024-11-03.

Conditions:
Dilated cardiomyopathy 1G (CMD1G). Identifiers: Orphanet 154, MedGen C1858763, MONDO:0011400, OMIM 604145.
Autosomal recessive limb-girdle muscular dystrophy type 2J (LGMDR10). Also called: Limb-girdle muscular dystrophy, type 2J; MUSCULAR DYSTROPHY, LIMB-GIRDLE, AUTOSOMAL RECESSIVE 10. Identifiers: Orphanet 140922, MedGen C1837342, MONDO:0012127, OMIM 608807.

Allele frequency attached by ClinVar (database versions not stated): gnomAD exomes below 0.00001; ExAC 0.00001.
gnomAD v4.1: 5 of 1,613,996 alleles (0.00031%); highest among the groups gnomAD compares: East Asian, 0.0089%; no homozygotes.

Submissions (2):

Labcorp Genetics (formerly Invitae), Labcorp
Classification: Uncertain significance for Dilated cardiomyopathy 1G; Autosomal recessive limb-girdle muscular dystrophy type 2J. Last evaluated: 2024-11-03. Review status: criteria provided, single submitter. Criteria: Invitae Variant Classification Sherloc (09022015). Collection method: clinical testing. Allele origin: germline.
Comment: This sequence change replaces alanine, which is neutral and non-polar, with valine, which is neutral and non-polar, at codon 34753 of the TTN protein (p.Ala34753Val). This variant is present in population databases (rs770515852, gnomAD 0.006%). This variant has not been reported in the literature in individuals affected with TTN-related conditions. ClinVar contains an entry for this variant (Variation ID: 1045183). Experimental studies and prediction algorithms are not available or were not evaluated, and the functional significance of this variant is currently unknown. This variant is located in the M band of TTN (PMID: 25589632). Non-truncating variants in this region may be relevant for neuromuscular disorders, but have not been definitively shown to cause cardiomyopathy (PMID: 23975875). In summary, the available evidence is currently insufficient to determine the role of this variant in disease. Therefore, it has been classified as a Variant of Uncertain Significance.

GeneDx
Classification: Uncertain significance. Last evaluated: 2023-08-08. Review status: criteria provided, single submitter. Criteria: GeneDx Variant Classification Process June 2021. Collection method: clinical testing. Allele origin: germline. Affected: yes.
Comment: Not observed at significant frequency in large population cohorts (gnomAD); Missense variant in a gene in which most reported pathogenic variants are truncating/loss of function; Has not been previously published as pathogenic or benign to our knowledge

Literature cited by the submitters: PubMed 25589632 (cited by Labcorp Genetics (formerly Invitae), Labcorp); PubMed 23975875 (cited by Labcorp Genetics (formerly Invitae), Labcorp).

NM_001267550.2(TTN):c.104258C>T (p.Ala34753Val)

Genes: TTN-AS1 (TTN antisense RNA 1; plus strand), TTN (titin; minus strand). Cytogenetic location: 2q31.2.
Variant type: single nucleotide variant.
Coding change: c.104258C>T on transcript NM_001267550.2 (MANE Select); coding-DNA position 104258, C replaced by T.
Protein change: p.Ala34753Val; replaces alanine 34753 with valine.
Molecular consequence: missense variant.
Genome position (GRCh38, 1-based): chr2:178,532,357, G>A on the plus strand (C>T on the coding strand, the complement: TTN is on the minus strand). VCF-style: chr2-178532357-G-A. GRCh37 (hg19) VCF-style: chr2-179397084-G-A.
Other names: c.99335C>T, p.Ala33112Val (NM_001256850.1); c.77063C>T, p.Ala25688Val (NM_003319.4); c.96554C>T, p.Ala32185Val (NM_133378.4); c.77438C>T, p.Ala25813Val (NM_133432.3); c.77639C>T, p.Ala25880Val (NM_133437.4); c.104258C>T (NM_001267550.1); short protein forms A25688V, A25813V, A25880V, A33112V, A32185V, A34753V.
Identifiers: ClinVar variation 1045183 (VCV001045183.8), dbSNP rs770515852, ClinGen allele CA1985452.